The following is an entry in ClinVar:

NM_001199397.3(NEK1):c.1222G>A (p.Gly408Arg)

Gene: NEK1 (NIMA related kinase 1; minus strand). Cytogenetic location: 4q33.
Variant type: single nucleotide variant.
Coding change: c.1222G>A on transcript NM_001199397.3 (MANE Select); coding-DNA position 1222, G replaced by A.
Protein change: p.Gly408Arg; replaces glycine 408 with arginine.
Molecular consequence: missense variant. On other transcripts: non-coding transcript variant (2), intron variant (2).
Genome position (GRCh38, 1-based): chr4:169,561,524, C>T on the plus strand (G>A on the coding strand, the complement: NEK1 is on the minus strand). VCF-style: chr4-169561524-C-T. GRCh37 (hg19) VCF-style: chr4-170482675-C-T.
Other names: c.1222G>A, p.Gly408Arg (NM_001199398.3, NM_001199400.3, NM_001374418.1 and 8 more transcripts); c.1171G>A, p.Gly391Arg (NM_001374420.1); c.601G>A, p.Gly201Arg (NM_001440624.1, NM_001440625.1); c.1140+308G>A (NM_001374421.1); c.1191+163G>A (NM_001199399.3); short protein forms G201R, G391R, G408R.
Identifiers: ClinVar variation 4693810 (VCV004693810.1).

ClinVar aggregate classification (germline): Uncertain significance (1 of 4 stars; one submission).

Conditions:
Short-rib thoracic dysplasia 6 with or without polydactyly (SRTD6). Also called: SHORT RIB-POLYDACTYLY SYNDROME, TYPE IIA; POLYDACTYLY WITH NEONATAL CHONDRODYSTROPHY, TYPE II; Majewski Syndrome; SHORT-RIB THORACIC DYSPLASIA 6 WITH POLYDACTYLY; SHORT-RIB THORACIC DYSPLASIA 6 WITHOUT POLYDACTYLY. Identifiers: MedGen C0024507, MONDO:0009894, OMIM 263520.

gnomAD v4.1: 6 of 1,613,584 alleles (0.00037%); highest among the groups gnomAD compares: East Asian, 0.0067%; no homozygotes.

Submission:

Labcorp Genetics (formerly Invitae), Labcorp
Classification: Uncertain significance for Short-rib thoracic dysplasia 6 with or without polydactyly. Last evaluated: 2025-06-29. Review status: criteria provided, single submitter. Criteria: Invitae Variant Classification Sherloc (09022015). Collection method: clinical testing. Allele origin: germline.
Comment: This sequence change replaces glycine, which is neutral and non-polar, with arginine, which is basic and polar, at codon 408 of the NEK1 protein (p.Gly408Arg). This variant is present in population databases (rs186982468, gnomAD 0.01%). This variant has not been reported in the literature in individuals affected with NEK1-related conditions. An algorithm developed to predict the effect of missense changes on protein structure and function (PolyPhen-2) suggests that this variant is likely to be disruptive. In summary, the available evidence is currently insufficient to determine the role of this variant in disease. Therefore, it has been classified as a Variant of Uncertain Significance.